The following is an entry in ClinVar:

NM_003002.4(SDHD):c.334A>G (p.Thr112Ala)

Gene: SDHD (succinate dehydrogenase complex subunit D; plus strand). Cytogenetic location: 11q23.1.
Variant type: single nucleotide variant.
Coding change: c.334A>G on transcript NM_003002.4 (MANE Select); coding-DNA position 334, A replaced by G.
Protein change: p.Thr112Ala; replaces threonine 112 with alanine.
Molecular consequence: missense variant. On other transcripts: synonymous variant (1), 3 prime UTR variant (1), non-coding transcript variant (1).
Genome position (GRCh38, 1-based): chr11:112,094,824, A>G. VCF-style: chr11-112094824-A-G. GRCh37 (hg19) VCF-style: chr11-111965548-A-G.
Other names: c.189A>G, p.Leu63= (NM_001276503.2); c.217A>G, p.Thr73Ala (NM_001276504.2); c.*32A>G (NM_001276506.2); short protein forms T112A, T73A.
Identifiers: ClinVar variation 1046089 (VCV001046089.10), dbSNP rs1865809730, ClinGen allele CA382618818.

ClinVar aggregate classification (germline): Uncertain significance (1 of 4 stars; one submission).

Conditions:
Carney-Stratakis syndrome. Also called: PARAGANGLIOMA AND GASTROINTESTINAL STROMAL TUMOR. Identifiers: Orphanet 97286, MedGen C1847319, MONDO:0011740, OMIM 606864.
Paragangliomas with sensorineural hearing loss. Identifiers: MedGen C1868633.
Pheochromocytoma. Also called: MAX-Related Hereditary Paraganglioma-Pheochromocytoma Syndrome. Identifiers: Orphanet 29072, MedGen C0031511, MONDO:0008233, OMIM 171300, HP:0002666.
Cowden syndrome 3 (CWS3). Identifiers: Orphanet 201, MedGen CN166604, MONDO:0014045.

Submission:

Labcorp Genetics (formerly Invitae), Labcorp
Classification: Uncertain significance for Carney-Stratakis syndrome; Paragangliomas with sensorineural hearing loss; Pheochromocytoma; Cowden syndrome 3. Last evaluated: 2025-02-11. Review status: criteria provided, single submitter. Criteria: Invitae Variant Classification Sherloc (09022015). Collection method: clinical testing. Allele origin: germline.
Comment: This sequence change replaces threonine, which is neutral and polar, with alanine, which is neutral and non-polar, at codon 112 of the SDHD protein (p.Thr112Ala). This variant is not present in population databases (gnomAD no frequency). This variant has not been reported in the literature in individuals affected with SDHD-related conditions. ClinVar contains an entry for this variant (Variation ID: 1046089). Invitae Evidence Modeling of protein sequence and biophysical properties (such as structural, functional, and spatial information, amino acid conservation, physicochemical variation, residue mobility, and thermodynamic stability) has been performed for this missense variant. However, the output from this modeling did not meet the statistical confidence thresholds required to predict the impact of this variant on SDHD protein function. In summary, the available evidence is currently insufficient to determine the role of this variant in disease. Therefore, it has been classified as a Variant of Uncertain Significance.